The following is an entry in ClinVar:

NM_173598.6(KSR2):c.869C>T (p.Thr290Ile)

Gene: KSR2 (kinase suppressor of ras 2; minus strand). Cytogenetic location: 12q24.23.
Variant type: single nucleotide variant.
Coding change: c.869C>T on transcript NM_173598.6 (MANE Select); coding-DNA position 869, C replaced by T.
Protein change: p.Thr290Ile; replaces threonine 290 with isoleucine.
Molecular consequence: missense variant.
Genome position (GRCh38, 1-based): chr12:117,761,128, G>A on the plus strand (C>T on the coding strand, the complement: KSR2 is on the minus strand). VCF-style: chr12-117761128-G-A. GRCh37 (hg19) VCF-style: chr12-118198933-G-A.
Other names: short protein forms T290I.
Identifiers: ClinVar variation 4985898 (VCV004985898.1).

ClinVar aggregate classification (germline): Uncertain significance (1 of 4 stars; one submission).

Conditions:
KSR2-related disorder. Also called: KSR2-related condition.

Submission:

PreventionGenetics, part of Exact Sciences
Classification: Uncertain significance for KSR2-related condition. Last evaluated: 2025-05-15. Review status: criteria provided, single submitter. Criteria: ACMG Guidelines, 2015. Collection method: clinical testing. Allele origin: germline.
Comment: The KSR2 c.782C>T variant is predicted to result in the amino acid substitution p.Thr261Ile. To our knowledge, this variant has not been reported in the literature or in a large population database (gnomAD), indicating this variant is rare. At this time, the clinical significance of this variant is uncertain due to the absence of conclusive functional and genetic evidence.